The following is an entry in ClinVar:

ClinVar aggregate classification (germline): Uncertain significance. Review status: criteria provided, multiple submitters, no conflicts (2 of 4 stars). 3 submissions from 3 submitters: Uncertain significance (3). Last evaluated 2025-09-14.

Conditions:
Fanconi anemia complementation group A (FANCA). Also called: FANCA-Related Fanconi Anemia; Fanconi anemia, group A. Identifiers: Orphanet 84, MedGen C3469521, MONDO:0009215, OMIM 227650.
Fanconi anemia (FA). Also called: Fanconi's anemia. Identifiers: Orphanet 84, MedGen C0015625, MeSH D005199, MONDO:0019391.

Allele frequency attached by ClinVar (database versions not stated): gnomAD exomes below 0.00001; TOPMed below 0.00001; gnomAD 0.00001.
gnomAD v4.1: 5 of 1,525,832 alleles (0.00033%); highest among the groups gnomAD compares: Non-Finnish European, 0.00044%; no homozygotes.

Submissions (3):

Labcorp Genetics (formerly Invitae), Labcorp
Classification: Uncertain significance for Fanconi anemia. Last evaluated: 2025-09-14. Review status: criteria provided, single submitter. Criteria: Invitae Variant Classification Sherloc (09022015). Collection method: clinical testing. Allele origin: germline.
Comment: This sequence change replaces serine, which is neutral and polar, with leucine, which is neutral and non-polar, at codon 4 of the FANCA protein (p.Ser4Leu). This variant is not present in population databases (gnomAD no frequency). This variant has not been reported in the literature in individuals affected with FANCA-related conditions. ClinVar contains an entry for this variant (Variation ID: 2167229). Invitae Evidence Modeling of protein sequence and biophysical properties (such as structural, functional, and spatial information, amino acid conservation, physicochemical variation, residue mobility, and thermodynamic stability) indicates that this missense variant is not expected to disrupt FANCA protein function with a negative predictive value of 95%. In summary, the available evidence is currently insufficient to determine the role of this variant in disease. Therefore, it has been classified as a Variant of Uncertain Significance.

Quest Diagnostics Nichols Institute San Juan Capistrano
Classification: Uncertain significance. Last evaluated: 2025-01-14. Review status: criteria provided, single submitter. Criteria: Quest Diagnostics criteria. Collection method: clinical testing. Allele origin: unknown.
Comment: The FANCA c.11C>T (p.Ser4Leu) variant has not been reported in individuals with FANCA-related conditions in the published literature. The frequency of this variant in the general population (Genome Aggregation Database) is uninformative in the assessment of its pathogenicity. Analysis of this variant using bioinformatics tools for the prediction of the effect of amino acid changes on protein structure and function yielded predictions that this variant is benign. Based on the available information, we are unable to determine the clinical significance of this variant.

Fulgent Genetics
Classification: Uncertain significance for Fanconi anemia complementation group A. Last evaluated: 2024-05-04. Review status: criteria provided, single submitter. Criteria: ACMG Guidelines, 2015. Collection method: clinical testing. Allele origin: germline.

Literature cited by the submitters: PubMed 35273153 (cited by Quest Diagnostics Nichols Institute San Juan Capistrano).

NM_000135.4(FANCA):c.11C>T (p.Ser4Leu)

Genes: FANCA (FA complementation group A; minus strand), LOC112486223 (Sharpr-MPRA regulatory region 3988; plus strand). Cytogenetic location: 16q24.3.
Variant type: single nucleotide variant.
Coding change: c.11C>T on transcript NM_000135.4 (MANE Select); coding-DNA position 11, C replaced by T.
Protein change: p.Ser4Leu; replaces serine 4 with leucine.
Molecular consequence: missense variant.
Genome position (GRCh38, 1-based): chr16:89,816,605, G>A on the plus strand (C>T on the coding strand, the complement: FANCA is on the minus strand). VCF-style: chr16-89816605-G-A. GRCh37 (hg19) VCF-style: chr16-89883013-G-A.
Other names: c.11C>T, p.Ser4Leu (NM_001018112.3, NM_001286167.3, NM_001351830.2); c.11C>T (NM_000135.3); short protein forms S4L.
Identifiers: ClinVar variation 2167229 (VCV002167229.4), dbSNP rs1484087361, ClinGen allele CA397484635.